The following is an entry in ClinVar:

ClinVar aggregate classification (germline): Likely benign (1 of 4 stars; one submission).

gnomAD v4.1: 182 of 1,433,152 alleles (0.013%); highest among the groups gnomAD compares: Admixed American, 0.018%; no homozygotes.

Submission:

CeGaT Center for Human Genetics Tuebingen
Classification: Likely benign. Last evaluated: 2024-12-01. Review status: criteria provided, single submitter. Criteria: CeGaT Center For Human Genetics Tuebingen Variant Classification Criteria Version 2. Collection method: clinical testing. Allele origin: germline. Affected: yes. Observed: 2 variant alleles.
Comment: RERE: BP4, BP7

NM_001042681.2(RERE):c.2442G>A (p.Pro814=)

Gene: RERE (arginine-glutamic acid dipeptide repeats; minus strand). Cytogenetic location: 1p36.23.
Variant type: single nucleotide variant.
Coding change: c.2442G>A on transcript NM_001042681.2 (MANE Select); coding-DNA position 2442, G replaced by A.
Protein change: p.Pro814=; no amino-acid change (proline 814 retained).
Molecular consequence: synonymous variant.
Genome position (GRCh38, 1-based): chr1:8,361,065, C>T on the plus strand (G>A on the coding strand, the complement: RERE is on the minus strand). VCF-style: chr1-8361065-C-T. GRCh37 (hg19) VCF-style: chr1-8421125-C-T.
Other names: c.780G>A, p.Pro260= (NM_001042682.2); c.2442G>A, p.Pro814= (NM_012102.4).
Identifiers: ClinVar variation 3388654 (VCV003388654.14).